The following is an entry in ClinVar:

ClinVar aggregate classification (germline): Pathogenic (1 of 4 stars; one submission).

Conditions:
Neurofibromatosis, type 1 (NF1). Also called: VON RECKLINGHAUSEN DISEASE; Peripheral type neurofibromatosis; NEUROFIBROMATOSIS, TYPE I, SOMATIC; Neurofibromatosis, type I. Identifiers: Orphanet 636, MedGen C0027831, MONDO:0018975, OMIM 162200. Disease mechanism: loss of function.

Submission:

Labcorp Genetics (formerly Invitae), Labcorp
Classification: Pathogenic for Neurofibromatosis, type 1. Last evaluated: 2024-04-01. Review status: criteria provided, single submitter. Criteria: Invitae Variant Classification Sherloc (09022015). Collection method: clinical testing. Allele origin: germline.
Comment: This sequence change creates a premature translational stop signal (p.Asn773Lysfs*3) in the NF1 gene. It is expected to result in an absent or disrupted protein product. Loss-of-function variants in NF1 are known to be pathogenic (PMID: 10712197, 23913538). This variant is not present in population databases (gnomAD no frequency). This variant has not been reported in the literature in individuals affected with NF1-related conditions. ClinVar contains an entry for this variant (Variation ID: 1074513). For these reasons, this variant has been classified as Pathogenic.

Literature cited by the submitters: PubMed 10712197; PubMed 23913538.

NM_001042492.3(NF1):c.2318dup (p.Asn773fs)

Gene: NF1 (neurofibromin 1; plus strand). Cytogenetic location: 17q11.2.
Variant type: Duplication.
Coding change: c.2318dup on transcript NM_001042492.3 (MANE Select); coding-DNA position 2318, one base duplicated (A; older notation c.2318dupA).
Protein change: p.Asn773fs; shifts the reading frame from asparagine 773.
Molecular consequence: frameshift variant.
Genome position (GRCh38, 1-based): chr17:31,227,284, A duplicated; the last of 3 consecutive A bases (chr17:31,227,282-31,227,284); duplicating any one gives the same sequence. VCF-style (leftmost placement, unchanged base first): chr17-31227281-G-GA. GRCh37 (hg19) VCF-style: chr17-29554299-G-GA.
Other names: c.2318dup, p.Asn773Lysfs (NM_000267.4); short protein forms N773fs.
Identifiers: ClinVar variation 1074513 (VCV001074513.5), dbSNP rs2151426990, ClinGen allele CA2499224054.
Genomic context (GRCh38, chr17:31,227,281, plus strand): 5'-GAGCAGCACTTCAGAAAAGAGTGATGGCACTGCTGAGGCGCATTGAGCATCCCACTGCAG[G>GA]AAACACTGAGGTATGCCCTTAGCAACAGAAACACCCCTCCCAGGCGCCCACCCTCAATTT-3'